The following is an entry in ClinVar:

NM_000059.4(BRCA2):c.3861_3865del (p.Asn1287fs)

Gene: BRCA2 (BRCA2 DNA repair associated; plus strand). Cytogenetic location: 13q13.1.
Variant type: Deletion.
Coding change: c.3861_3865del on transcript NM_000059.4 (MANE Select); coding-DNA positions 3861 to 3865, 5 bases deleted (TAATA; older notation c.3861_3865delTAATA).
Protein change: p.Asn1287fs; shifts the reading frame from asparagine 1287.
Molecular consequence: frameshift variant.
Genome position (GRCh38, 1-based): chr13:32,338,216-32,338,220, TAATA deleted; deleting any 5 consecutive bases within chr13:32,338,215-32,338,220 gives the same sequence; the c. name uses the placement nearest the transcript's 3' end. VCF-style (leftmost placement, unchanged base first): chr13-32338214-AATAAT-A. GRCh37 (hg19) VCF-style: chr13-32912351-AATAAT-A.
Other names: c.3861_3865delTAATA (NM_000059.3, NM_000059.4); short protein forms N1287fs.
Identifiers: ClinVar variation 531271 (VCV000531271.15), dbSNP rs1555283431, ClinGen allele CA658798131.

ClinVar aggregate classification (germline): Pathogenic. Review status: criteria provided, multiple submitters, no conflicts (2 of 4 stars). 6 submissions from 6 submitters: Pathogenic (6). Last evaluated 2025-10-30.

Conditions:
Breast-ovarian cancer, familial, susceptibility to, 2 (BROVCA2). Also called: BRCA2 Hereditary Breast and Ovarian Cancer. Identifiers: Orphanet 145, MedGen C2675520, MONDO:0012933, OMIM 612555. Disease mechanism: loss of function.
Hereditary cancer-predisposing syndrome. Also called: Neoplastic Syndromes, Hereditary; Hereditary Cancer Syndrome; Tumor predisposition; Hereditary neoplastic syndrome. Identifiers: Orphanet 140162, MedGen C0027672, MeSH D009386, MONDO:0015356.
Hereditary breast ovarian cancer syndrome. Also called: Hereditary breast and ovarian cancer syndrome; Breast and ovarian cancer; BRCA1- and BRCA2-Associated Hereditary Breast and Ovarian Cancer; Hereditary breast and ovarian cancer syndrome (HBOC); Hereditary breast and ovarian cancer; Hereditary breast and/or ovarian cancer syndrome. Identifiers: Orphanet 145, MedGen C0677776, MeSH D061325, MONDO:0003582. Disease mechanism: loss of function.

Submissions (6):

Women's Health and Genetics/Laboratory Corporation of America, LabCorp
Classification: Pathogenic for Hereditary breast ovarian cancer syndrome. Last evaluated: 2025-10-30. Review status: criteria provided, single submitter. Criteria: LabCorp Variant Classification Summary - May 2015. Collection method: clinical testing. Allele origin: germline.
Comment: Variant summary: BRCA2 c.3861_3865delTAATA (p.Asn1287LysfsX9) results in a premature termination codon, predicted to cause a truncation of the encoded protein or absence of the protein due to nonsense mediated decay, which are commonly known mechanisms for disease. The variant was absent in 197174 control chromosomes. To our knowledge, no occurrence of c.3861_3865delTAATA in individuals affected with BRCA2-related conditions and no experimental evidence demonstrating its impact on protein function have been reported. ClinVar contains an entry for this variant (Variation ID: 531271). Based on the evidence outlined above, the variant was classified as pathogenic.

Dasa
Classification: Pathogenic for Breast-ovarian cancer, familial, susceptibility to, 2. Last evaluated: 2025-08-19. Review status: criteria provided, single submitter. Criteria: DASA Assertion Criteria. Collection method: clinical testing. Allele origin: germline.
Comment: NM_000059.4(BRCA2):c.3861_3865del (p.Asn1287Lysfs*9) is a frameshift variant in BRCA2 predicted to alter the reading frame and introduce a premature termination codon and is predicted to result in an absent or altered protein product. Loss of function is an established disease mechanism for BRCA2 (PMID: 16199546; PMID: 17063271; PMID: 25632310). The affected residue or protein region has prior evidence supporting clinical relevance. Also, this variant is absent from population databases. Based on the currently available evidence, this variant is classified as pathogenic.

Ambry Genetics
Classification: Pathogenic for Hereditary cancer-predisposing syndrome. Last evaluated: 2023-10-16. Review status: criteria provided, single submitter. Criteria: Ambry Variant Classification Scheme 2023. Collection method: clinical testing. Allele origin: germline.
Comment: The c.3861_3865delTAATA pathogenic mutation, located in coding exon 10 of the BRCA2 gene, results from a deletion of 5 nucleotides at nucleotide positions 3861 to 3865, causing a translational frameshift with a predicted alternate stop codon (p.N1287Kfs*9). This variant is considered to be rare based on population cohorts in the Genome Aggregation Database (gnomAD). This alteration is expected to result in loss of function by premature protein truncation or nonsense-mediated mRNA decay. As such, this alteration is interpreted as a disease-causing mutation.

Labcorp Genetics (formerly Invitae), Labcorp
Classification: Pathogenic for Hereditary breast ovarian cancer syndrome. Last evaluated: 2022-01-07. Review status: criteria provided, single submitter. Criteria: Invitae Variant Classification Sherloc (09022015). Collection method: clinical testing. Allele origin: germline.
Comment: This sequence change creates a premature translational stop signal (p.Asn1287Lysfs*9) in the BRCA2 gene. It is expected to result in an absent or disrupted protein product. Loss-of-function variants in BRCA2 are known to be pathogenic (PMID: 20104584). This variant is not present in population databases (gnomAD no frequency). For these reasons, this variant has been classified as Pathogenic. ClinVar contains an entry for this variant (Variation ID: 531271). This variant has not been reported in the literature in individuals affected with BRCA2-related conditions.

Color Diagnostics, LLC DBA Color Health
Classification: Pathogenic for Hereditary cancer-predisposing syndrome. Last evaluated: 2021-02-16. Review status: criteria provided, single submitter. Criteria: ACMG Guidelines, 2015. Collection method: clinical testing. Allele origin: germline.
Comment: This variant deletes 5 nucleotides in exon 11 of the BRCA2 gene, creating a frameshift and premature translation stop signal. This variant is expected to result in an absent or non-functional protein product. To our knowledge, this variant has not been reported in individuals affected with hereditary cancer in the literature. This variant has not been identified in the general population by the Genome Aggregation Database (gnomAD). Loss of BRCA2 function is a known mechanism of disease. Based on the available evidence, this variant is classified as Pathogenic.

GeneDx
Classification: Pathogenic. Last evaluated: 2017-11-22. Review status: criteria provided, single submitter. Criteria: GeneDx Variant Classification (06012015). Collection method: clinical testing. Allele origin: germline. Affected: yes.
Comment: This deletion of five nucleotides in BRCA2 is denoted c.3861_3865delTAATA at the cDNA level and p.Asn1287LysfsX9 (N1287KfsX9) at the protein level. The normal sequence, with the bases that are deleted in brackets, is GAAAAAAA[delTAATA]AATG. The deletion causes a frameshift which changes an Asparagine to a Lysine at codon 1287, and creates a premature stop codon at position 9 of the new reading frame. Although this variant has not, to our knowledge, been reported in the literature, it is predicted to cause loss of normal protein function through either protein truncation or nonsense-mediated mRNA decay. Based on currently available information, we consider this to be pathogenic.

Literature cited by the submitters: PubMed 16199546 (cited by Dasa); PubMed 17063271 (cited by Dasa); PubMed 25632310 (cited by Dasa); PubMed 20104584 (cited by Labcorp Genetics (formerly Invitae), Labcorp).